The following is an entry in ClinVar:

ClinVar aggregate classification (germline): Conflicting classifications of pathogenicity. Review status: criteria provided, conflicting classifications (1 of 4 stars). 6 submissions from 5 submitters: Likely pathogenic (3); Uncertain significance (1). 2 of the submissions do not count toward it. Last evaluated 2025-06-05.

Conditions:
Hereditary hyperinsulinism.
Maturity-onset diabetes of the young (MODY). Also called: Maturity onset diabetes mellitus in young. Identifiers: Orphanet 552, MedGen C0342276, MONDO:0018911, HP:0004904.
Transitory neonatal diabetes mellitus. Also called: Transient neonatal diabetes mellitus. Identifiers: MedGen C0342273, MONDO:0020525, HP:0008255.
Familial hyperinsulinism. Also called: Congenital hyperinsulinism. Identifiers: Orphanet 276525, MedGen C3888018, MONDO:0017182. Disease mechanism: loss of function.

Allele frequency attached by ClinVar (database versions not stated): gnomAD exomes below 0.00001 and 0.00001; TOPMed below 0.00001; ExAC 0.00001.
gnomAD v4.1: 9 of 1,614,108 alleles (0.00056%); highest among the groups gnomAD compares: African/African-American, 0.0013%; no homozygotes.

Submissions (6):

Natera, Inc.
Classification: Likely pathogenic for Hereditary hyperinsulinism. Last evaluated: 2025-06-05. Review status: criteria provided, single submitter. Criteria: Natera Variant Classification Schema (03/2026). Collection method: clinical testing. Allele origin: germline.
Comment: The c.3753+2C>T variant in ABCC8 is a canonical splice donor site variant predicted to affect pre-mRNA splicing, which may result in an abnormal transcript and altered protein product. This variant is expected to result in nonsense mediated decay, truncation, or a dysfunctional protein product. This variant is rare in the general population with a frequency below the threshold expected for the associated phenotype(s). Given the available evidence, this variant is classified as Likely Pathogenic.

GeneDx
Classification: Uncertain significance. Last evaluated: 2025-03-18. Review status: criteria provided, single submitter. Criteria: GeneDx Variant Classification Process June 2021. Collection method: clinical testing. Allele origin: germline. Affected: yes.
Comment: Not observed at significant frequency in large population cohorts (gnomAD); In silico analysis indicates that this variant does not alter splicing; Reported in two individuals in the UK Biobank; however, clinical information was not provided (PMID: 36208030); This variant is associated with the following publications: (PMID: 36208030)

Women's Health and Genetics/Laboratory Corporation of America, LabCorp
Classification: Likely pathogenic for Familial hyperinsulinism. Last evaluated: 2024-07-31. Review status: criteria provided, single submitter. Criteria: LabCorp Variant Classification Summary - May 2015. Collection method: clinical testing. Allele origin: germline.
Comment: Variant summary: ABCC8 c.3753+2C>T is located in a canonical splice-site and is predicted to affect mRNA splicing resulting in a significantly altered protein due to either exon skipping, shortening, or inclusion of intronic material. Variants that disrupt the consensus splice site are a relatively common cause of aberrant splicing and loss of ABCC8 function. Consensus agreement among computation tools predict no significant impact on normal splicing. However, these predictions have yet to be confirmed by functional studies. The variant allele was found at a frequency of 4e-06 in 251398 control chromosomes. c.3753+2C>T has been reported in the literature in two carriers of from the Diabetes group in UK-Biobank, without detailed information for analysis (Billings_2022). These report(s) do not provide unequivocal conclusions about association of the variant with Familial Hyperinsulinism. To our knowledge, no experimental evidence demonstrating an impact on protein function has been reported.The following publication has been ascertained in the context of this evaluation (PMID: 36208030). ClinVar contains an entry for this variant (Variation ID: 654797). Based on the evidence outlined above, the variant was classified as likely pathogenic.

Labcorp Genetics (formerly Invitae), Labcorp
Classification: Likely pathogenic. Last evaluated: 2024-03-04. Review status: criteria provided, single submitter. Criteria: Invitae Variant Classification Sherloc (09022015). Collection method: clinical testing. Allele origin: germline.
Comment: This sequence change affects a donor splice site in intron 30 of the ABCC8 gene. It is expected to disrupt RNA splicing. Variants that disrupt the donor or acceptor splice site typically lead to a loss of protein function (PMID: 16199547), and loss-of-function variants in ABCC8 are known to be pathogenic (PMID: 20685672, 23345197). This variant is not present in population databases (gnomAD no frequency). This variant has not been reported in the literature in individuals affected with ABCC8-related conditions. ClinVar contains an entry for this variant (Variation ID: 654797). In summary, the currently available evidence indicates that the variant is pathogenic, but additional data are needed to prove that conclusively. Therefore, this variant has been classified as Likely Pathogenic.

Clinical Genomics, Uppaluri K&H Personalized Medicine Clinic
Classification: Uncertain significance for Maturity-onset diabetes of the young. Review status: flagged submission. Criteria: K & H Uppaluri Personalized Medicine Clinic Variant Classification & Assertion Criteria_Updated V.1. Collection method: research. Allele origin: somatic. Inheritance: Somatic mutation. Not counted in ClinVar's aggregate classification.
Comment: Mutations in ABCC8 gene are associated with both neonatal diabetes mellitus as well as MODY. Patients with this mutation may have a better response to sulfonylureas. However, no sufficient evidence is found to ascertain the role of this particular variant (rs760196276) in MODY yet.
ClinVar note: Reason: Older and outlier claim with insufficient supporting evidence

Clinical Genomics, Uppaluri K&H Personalized Medicine Clinic
Classification: Uncertain significance for Transitory neonatal diabetes mellitus. Review status: flagged submission. Criteria: K & H Uppaluri Personalized Medicine Clinic Variant Classification & Assertion Criteria_Updated V.1. Collection method: research. Allele origin: somatic. Inheritance: Somatic mutation. Not counted in ClinVar's aggregate classification.
Comment: Mutations in ABCC8 gene are associated with both neonatal diabetes mellitus as well as MODY. Patients with this mutation may have a better response to sulfonylureas. However, no sufficient evidence is found to ascertain the role of this particular variant (rs760196276) in neonatal diabetes yet.
ClinVar note: Reason: Older and outlier claim with insufficient supporting evidence

Literature cited by the submitters: PubMed 36208030 (cited by Women's Health and Genetics/Laboratory Corporation of America, LabCorp); PubMed 16199547 (cited by Labcorp Genetics (formerly Invitae), Labcorp); PubMed 20685672 (cited by Labcorp Genetics (formerly Invitae), Labcorp); PubMed 23345197 (cited by Labcorp Genetics (formerly Invitae), Labcorp); PubMed 16885549 (cited by Clinical Genomics, Uppaluri K&H Personalized Medicine Clinic); PubMed 21989597 (cited by Clinical Genomics, Uppaluri K&H Personalized Medicine Clinic); PubMed 27538677 (cited by Clinical Genomics, Uppaluri K&H Personalized Medicine Clinic); PubMed 18981553 (cited by Clinical Genomics, Uppaluri K&H Personalized Medicine Clinic); PubMed 32027066 (cited by Clinical Genomics, Uppaluri K&H Personalized Medicine Clinic); PubMed 16613899 (cited by Clinical Genomics, Uppaluri K&H Personalized Medicine Clinic); PubMed 18025408 (cited by Clinical Genomics, Uppaluri K&H Personalized Medicine Clinic); PubMed 32792356 (cited by Clinical Genomics, Uppaluri K&H Personalized Medicine Clinic).

NM_000352.6(ABCC8):c.3753+2C>T

Gene: ABCC8 (ATP binding cassette subfamily C member 8; minus strand). Cytogenetic location: 11p15.1.
Variant type: single nucleotide variant.
Coding change: c.3753+2C>T on transcript NM_000352.6 (MANE Select); the canonical splice donor site of the intron after coding-DNA position 3753, C replaced by T.
Molecular consequence: splice donor variant.
Genome position (GRCh38, 1-based): chr11:17,398,337, G>A on the plus strand (C>T on the coding strand, the complement: ABCC8 is on the minus strand). VCF-style: chr11-17398337-G-A. GRCh37 (hg19) VCF-style: chr11-17419884-G-A.
Other names: c.3819+2C>T (NM_001351295.2); c.3756+2C>T (NM_001287174.3); c.3750+2C>T (NM_001351297.2); c.3753+2C>T (NM_001351296.2).
Identifiers: ClinVar variation 654797 (VCV000654797.12), dbSNP rs760196276, ClinGen allele CA5902722.